The following is an entry in ClinVar:

NM_032776.3(JMJD1C):c.4052C>G (p.Thr1351Ser)

Gene: JMJD1C (jumonji domain containing 1C; minus strand). Cytogenetic location: 10q21.3.
Variant type: single nucleotide variant.
Coding change: c.4052C>G on transcript NM_032776.3 (MANE Select); coding-DNA position 4052, C replaced by G.
Protein change: p.Thr1351Ser; replaces threonine 1351 with serine.
Molecular consequence: missense variant. On other transcripts: non-coding transcript variant (1).
Genome position (GRCh38, 1-based): chr10:63,207,617, G>C on the plus strand (C>G on the coding strand, the complement: JMJD1C is on the minus strand). VCF-style: chr10-63207617-G-C. GRCh37 (hg19) VCF-style: chr10-64967377-G-C.
Other names: c.3506C>G, p.Thr1169Ser (NM_001318154.2, NM_001282948.2); c.3938C>G, p.Thr1313Ser (NM_001322252.2); c.3395C>G, p.Thr1132Ser (NM_001322254.2, NM_001322258.2); c.3188C>G, p.Thr1063Ser (NM_001318153.2); short protein forms T1063S, T1132S, T1169S, T1313S, T1351S.
Identifiers: ClinVar variation 1019976 (VCV001019976.8), dbSNP rs768095137, ClinGen allele CA5518335.

ClinVar aggregate classification (germline): Uncertain significance (1 of 4 stars; one submission).

Conditions:
Early Myoclonic Encephalopathy. Identifiers: MedGen C0270855.

Allele frequency attached by ClinVar (database versions not stated): TOPMed 0.00001; ExAC 0.00001; gnomAD 0.00003; gnomAD exomes 0.00001.
gnomAD v4.1: 13 of 1,613,974 alleles (0.00081%); highest among the groups gnomAD compares: African/African-American, 0.0013%; no homozygotes.

Submission:

Labcorp Genetics (formerly Invitae), Labcorp
Classification: Uncertain significance for Early Myoclonic Encephalopathy. Last evaluated: 2020-10-01. Review status: criteria provided, single submitter. Criteria: Invitae Variant Classification Sherloc (09022015). Collection method: clinical testing. Allele origin: germline.
Comment: Algorithms developed to predict the effect of missense changes on protein structure and function output the following: SIFT: "Deleterious"; PolyPhen-2: "Benign"; Align-GVGD: "Class C0". The serine amino acid residue is found in multiple mammalian species, suggesting that this missense change does not adversely affect protein function. These predictions have not been confirmed by published functional studies and their clinical significance is uncertain. In summary, the available evidence is currently insufficient to determine the role of this variant in disease. Therefore, it has been classified as a Variant of Uncertain Significance. This variant has not been reported in the literature in individuals with JMJD1C-related disease. This variant is present in population databases (rs768095137, ExAC 0.001%). This sequence change replaces threonine with serine at codon 1351 of the JMJD1C protein (p.Thr1351Ser). The threonine residue is highly conserved and there is a small physicochemical difference between threonine and serine.